The following is an entry in ClinVar:

ClinVar aggregate classification (germline): Uncertain significance (1 of 4 stars; one submission).

Allele frequency attached by ClinVar (database versions not stated): ExAC 0.00001; gnomAD exomes 0.00001; gnomAD 0.00002; TOPMed 0.00002.
gnomAD v4.1: 15 of 1,210,019 alleles (0.0012%); highest among the groups gnomAD compares: Middle Eastern, 0.023%; no homozygotes.

Submission:

Labcorp Genetics (formerly Invitae), Labcorp
Classification: Uncertain significance. Last evaluated: 2024-12-12. Review status: criteria provided, single submitter. Criteria: Invitae Variant Classification Sherloc (09022015). Collection method: clinical testing. Allele origin: germline.
Comment: This sequence change replaces valine, which is neutral and non-polar, with isoleucine, which is neutral and non-polar, at codon 136 of the ATP6AP1 protein (p.Val136Ile). The frequency data for this variant in the population databases is considered unreliable, as metrics indicate poor data quality at this position in the gnomAD database. This variant has not been reported in the literature in individuals affected with ATP6AP1-related conditions. ClinVar contains an entry for this variant (Variation ID: 2972499). Invitae Evidence Modeling of protein sequence and biophysical properties (such as structural, functional, and spatial information, amino acid conservation, physicochemical variation, residue mobility, and thermodynamic stability) indicates that this missense variant is not expected to disrupt ATP6AP1 protein function with a negative predictive value of 80%. In summary, the available evidence is currently insufficient to determine the role of this variant in disease. Therefore, it has been classified as a Variant of Uncertain Significance.

NM_001183.6(ATP6AP1):c.406G>A (p.Val136Ile)

Gene: ATP6AP1 (ATPase H+ transporting accessory protein 1; plus strand). Cytogenetic location: Xq28.
Variant type: single nucleotide variant.
Coding change: c.406G>A on transcript NM_001183.6 (MANE Select); coding-DNA position 406, G replaced by A.
Protein change: p.Val136Ile; replaces valine 136 with isoleucine.
Molecular consequence: missense variant.
Genome position (GRCh38, 1-based): chrX:154,432,308, G>A. VCF-style: chrX-154432308-G-A. GRCh37 (hg19) VCF-style: chrX-153660654-G-A.
Other names: short protein forms V136I.
Identifiers: ClinVar variation 2972499 (VCV002972499.3), dbSNP rs782516905, ClinGen allele CA10562611.